The following is an entry in ClinVar:

NM_006295.3(VARS1):c.1313T>C (p.Leu438Ser)

Gene: VARS1 (valyl-tRNA synthetase 1; minus strand). Cytogenetic location: 6p21.33.
Variant type: single nucleotide variant.
Coding change: c.1313T>C on transcript NM_006295.3 (MANE Select); coding-DNA position 1313, T replaced by C.
Protein change: p.Leu438Ser; replaces leucine 438 with serine.
Molecular consequence: missense variant.
Genome position (GRCh38, 1-based): chr6:31,785,280, A>G on the plus strand (T>C on the coding strand, the complement: VARS1 is on the minus strand). VCF-style: chr6-31785280-A-G. GRCh37 (hg19) VCF-style: chr6-31753057-A-G.
Other names: short protein forms L438S.
Identifiers: ClinVar variation 5002789 (VCV005002789.1).

ClinVar aggregate classification (germline): Uncertain significance (1 of 4 stars; one submission).

Conditions:
Neurodevelopmental disorder with microcephaly, seizures, and cortical atrophy. Identifiers: MedGen C4540493, MONDO:0060621, OMIM 617802.

gnomAD v4.1: 1 of 1,613,064 alleles (0.000062%); highest among the groups gnomAD compares: Non-Finnish European, 0.000085%; no homozygotes.

Submission:

OLLIN Analises Genomicas, OLLIN
Classification: Uncertain significance for Neurodevelopmental disorder with microcephaly, seizures, and cortical atrophy. Last evaluated: 2026-08-06. Review status: criteria provided, single submitter. Criteria: ACMG Guidelines 2015 PMID 25741868. Collection method: clinical testing. Allele origin: germline.
Comment: This missense variant, located in exon 10 (of 30), has been observed in gnomAD with an allele frequency of 0.000062%, but has not been reported in ClinVar or identified in the literature. In silico analysis is inconclusive regarding the impact of this variant. This gene is constrained for missense variation. According to the currently available evidence, this variant has been classified as uncertain significance (PM2_P, PP2).